The following is an entry in ClinVar:

NM_020631.6(PLEKHG5):c.286AAG[2] (p.Lys98del)

Gene: PLEKHG5 (pleckstrin homology and RhoGEF domain containing G5; minus strand). Cytogenetic location: 1p36.31.
Variant type: Microsatellite.
Coding change: c.286AAG[2] on transcript NM_020631.6 (MANE Select); two copies in a row of the 3-base unit AAG starting at c.286; the reference has three copies in a row; one copy, 3 bases deleted; also written c.292_294del.
Protein change: p.Lys98del; deletes lysine 98.
Molecular consequence: inframe deletion. On other transcripts: inframe indel (5).
Genome position (GRCh38, 1-based): chr1:6,475,055-6,475,057, CTT deleted on the plus strand (AAG on the coding strand, the reverse complement: PLEKHG5 is on the minus strand); deleting any 3 consecutive bases within chr1:6,475,055-6,475,064 gives the same sequence; the position shown is the placement nearest the transcript's 3' end. VCF-style (leftmost placement, unchanged base first): chr1-6475054-ACTT-A. GRCh37 (hg19) VCF-style: chr1-6535114-ACTT-A.
Other names: c.292_294delAAG (NM_020631.4, NM_020631.3); c.292_294del (NM_020631.4); c.492_494GAA[2], p.Lys167del (NM_001265593.2); c.285_287GAA[2], p.Lys98del (NM_001265594.3, NM_001042665.2, NM_001042664.2); c.286AAG[2], p.Lys98del (NM_198681.4); c.397AAG[2], p.Lys135del (NM_001265592.2, NM_001042663.3); short protein forms K98del, K167del, K135del.
Identifiers: ClinVar variation 567494 (VCV000567494.7), dbSNP rs781153386, ClinGen allele CA561913.

ClinVar aggregate classification (germline): Uncertain significance. Review status: criteria provided, multiple submitters, no conflicts (2 of 4 stars). 3 submissions from 3 submitters: Uncertain significance (3). Last evaluated 2026-03-12.

Conditions:
Inborn genetic diseases. Identifiers: MedGen C0950123, MeSH D030342.
Charcot-Marie-Tooth disease recessive intermediate C. Also called: CHARCOT-MARIE-TOOTH NEUROPATHY, RECESSIVE INTERMEDIATE C. Identifiers: Orphanet 369867, MedGen C3809309, MONDO:0014154, OMIM 615376.
Neuronopathy, distal hereditary motor, autosomal recessive 4. Also called: NEUROPATHY, DISTAL HEREDITARY MOTOR, AUTOSOMAL RECESSIVE 4; Autosomal recessive lower motor neuron disease with childhood onset. Identifiers: Orphanet 206580, MedGen C1970211, MONDO:0012608, OMIM 611067.

Submissions (3):

GeneDx
Classification: Uncertain significance. Last evaluated: 2026-03-12. Review status: criteria provided, single submitter. Criteria: GeneDx Variant Classification Process June 2021. Collection method: clinical testing. Allele origin: germline.
Comment: Not observed at significant frequency in large population cohorts (gnomAD); In-frame deletion of 1 amino acid in a non-repeat region; In silico analysis supports a deleterious effect on protein structure/function; Has not been previously published as pathogenic or benign to our knowledge

Labcorp Genetics (formerly Invitae), Labcorp
Classification: Uncertain significance for Neuronopathy, distal hereditary motor, autosomal recessive 4; Charcot-Marie-Tooth disease recessive intermediate C. Last evaluated: 2022-05-27. Review status: criteria provided, single submitter. Criteria: Invitae Variant Classification Sherloc (09022015). Collection method: clinical testing. Allele origin: germline.
Comment: This variant, c.292_294del, results in the deletion of 1 amino acid(s) of the PLEKHG5 protein (p.Lys98del), but otherwise preserves the integrity of the reading frame. This variant is present in population databases (rs781153386, gnomAD 0.006%). This variant has not been reported in the literature in individuals affected with PLEKHG5-related conditions. ClinVar contains an entry for this variant (Variation ID: 567494). Experimental studies and prediction algorithms are not available or were not evaluated, and the functional significance of this variant is currently unknown. In summary, the available evidence is currently insufficient to determine the role of this variant in disease. Therefore, it has been classified as a Variant of Uncertain Significance.

Ambry Genetics
Classification: Uncertain significance for Inborn genetic diseases. Last evaluated: 2020-03-09. Review status: criteria provided, single submitter. Criteria: Ambry Variant Classification Scheme 2023. Collection method: clinical testing. Allele origin: germline.
Comment: The c.292_294delAAG variant (also known as p.K98del) is located in coding exon 4 of the PLEKHG5 gene. This variant results from an in-frame AAG deletion at nucleotide positions 292 to 294. This results in the in-frame deletion of a lysine at codon 98. This amino acid position is highly conserved in available vertebrate species. In addition, this alteration is predicted to be deleterious by in silico analysis (Choi Y et al. PLoS ONE. 2012; 7(10):e46688). Since supporting evidence is limited at this time, the clinical significance of this alteration remains unclear.